The following is an entry in ClinVar:

ClinVar aggregate classification (germline): Likely benign (1 of 4 stars; one submission).

Allele frequency attached by ClinVar (database versions not stated): ExAC 0.00001; gnomAD 0.00001.
gnomAD v4.1: 2 of 1,612,716 alleles (0.00012%); highest among the groups gnomAD compares: Non-Finnish European, 0.000085%; no homozygotes.

Submission:

CeGaT Center for Human Genetics Tuebingen
Classification: Likely benign. Last evaluated: 2023-08-01. Review status: criteria provided, single submitter. Criteria: CeGaT Center For Human Genetics Tuebingen Variant Classification Criteria Version 2. Collection method: clinical testing. Allele origin: germline. Affected: yes. Observed: 1 variant allele.
Comment: PXDN: BP4, BP7

NM_012293.3(PXDN):c.780G>A (p.Gly260=)

Gene: PXDN (peroxidasin; minus strand). Cytogenetic location: 2p25.3.
Variant type: single nucleotide variant.
Coding change: c.780G>A on transcript NM_012293.3 (MANE Select); coding-DNA position 780, G replaced by A.
Protein change: p.Gly260=; no amino-acid change (glycine 260 retained).
Molecular consequence: synonymous variant.
Genome position (GRCh38, 1-based): chr2:1,676,995, C>T on the plus strand (G>A on the coding strand, the complement: PXDN is on the minus strand). VCF-style: chr2-1676995-C-T. GRCh37 (hg19) VCF-style: chr2-1680767-C-T.
Identifiers: ClinVar variation 2578843 (VCV002578843.25), dbSNP rs758973885, ClinGen allele CA1513538.
Genomic context (GRCh38, chr2:1,676,995, plus strand): 5'-CAGCCAGATGATCTCAGGCTTGGGGTTGCCTTCGGCTCTGCAGGTGAAGTACACGGTGTT[C>T]CCCGAGGTCACATCTGCGTCCTGGGGCTCGGAGGTGATCCGGGGCCTTTCTGTGCCCAAC-3'
Protein context (NP_036425.1, residues 250-270): SEPQDADVTS[Gly260=]NTVYFTCRAE